The following is an entry in ClinVar:

ClinVar aggregate classification (germline): Uncertain significance (1 of 4 stars; one submission).

Allele frequency attached by ClinVar (database versions not stated): gnomAD exomes below 0.00001; gnomAD 0.00001; TOPMed 0.00003.
gnomAD v4.1: 2 of 634,026 alleles (0.00032%); highest among the groups gnomAD compares: African/African-American, 0.0037%; no homozygotes.

Submission:

Labcorp Genetics (formerly Invitae), Labcorp
Classification: Uncertain significance. Last evaluated: 2023-06-10. Review status: criteria provided, single submitter. Criteria: Invitae Variant Classification Sherloc (09022015). Collection method: clinical testing. Allele origin: germline.
Comment: In summary, the available evidence is currently insufficient to determine the role of this variant in disease. Therefore, it has been classified as a Variant of Uncertain Significance. This variant has not been reported in the literature in individuals affected with EYS-related conditions. This variant is not present in population databases (gnomAD no frequency). This variant occurs in a non-coding region of the EYS gene. It does not change the encoded amino acid sequence of the EYS protein.

NM_001142800.2(EYS):c.-176T>C

Gene: EYS (EGF-like photoreceptor maintenance factor; minus strand). Cytogenetic location: 6q12.
Variant type: single nucleotide variant.
Coding change: c.-176T>C on transcript NM_001142800.2 (MANE Select); 176 bases upstream of the start codon, T replaced by C.
Molecular consequence: 5 prime UTR variant.
Genome position (GRCh38, 1-based): chr6:65,495,586, A>G on the plus strand (T>C on the coding strand, the complement: EYS is on the minus strand). VCF-style: chr6-65495586-A-G. GRCh37 (hg19) VCF-style: chr6-66205479-A-G.
Other names: c.-176T>C (NM_001142801.2, NM_001292009.2, NM_198283.2).
Identifiers: ClinVar variation 2996241 (VCV002996241.3), dbSNP rs1394123227, ClinGen allele CA827149901.
Genomic context (GRCh38, chr6:65,495,586, plus strand): 5'-TGACCTTTTTTCTATACCCAAAGTAGCTTTGATGACAATGTGCTTTGATGGAGAAACAGG[A>G]ATTCAAATGTTGTAAATATTCCTTTAAACAGAAAAAAACATATATTGTTAGTGAAGTTTT-3'